The following is an entry in ClinVar:

NM_001394998.1(TANC2):c.1484C>T (p.Ser495Leu)

Gene: TANC2 (tetratricopeptide repeat, ankyrin repeat and coiled-coil containing 2; plus strand). Cytogenetic location: 17q23.3.
Variant type: single nucleotide variant.
Coding change: c.1484C>T on transcript NM_001394998.1 (MANE Select); coding-DNA position 1484, C replaced by T.
Protein change: p.Ser495Leu; replaces serine 495 with leucine.
Molecular consequence: missense variant.
Genome position (GRCh38, 1-based): chr17:63,318,999, C>T. VCF-style: chr17-63318999-C-T. GRCh37 (hg19) VCF-style: chr17-61396360-C-T.
Other names: c.1262C>T, p.Ser421Leu (NM_001411076.1, NM_025185.4); short protein forms S495L, S421L.
Identifiers: ClinVar variation 5009563 (VCV005009563.1).

ClinVar aggregate classification (germline): Uncertain significance (1 of 4 stars; one submission).

Submission:

GeneDx
Classification: Uncertain significance. Last evaluated: 2026-03-21. Review status: criteria provided, single submitter. Criteria: GeneDx Variant Classification Process June 2021. Collection method: clinical testing. Allele origin: germline.
Comment: Not observed at significant frequency in large population cohorts (gnomAD); In silico analysis suggests that this missense variant does not alter protein structure/function; Has not been previously published as pathogenic or benign to our knowledge